The following is an entry in ClinVar:

NM_002246.3(KCNK3):c.283+5C>T

Gene: KCNK3 (potassium two pore domain channel subfamily K member 3; plus strand). Cytogenetic location: 2p23.3.
Variant type: single nucleotide variant.
Coding change: c.283+5C>T on transcript NM_002246.3 (MANE Select); 5 bases into the intron after coding-DNA position 283, C replaced by T.
Molecular consequence: intron variant.
Genome position (GRCh38, 1-based): chr2:26,693,163, C>T. VCF-style: chr2-26693163-C-T. GRCh37 (hg19) VCF-style: chr2-26916031-C-T.
Identifiers: ClinVar variation 2876867 (VCV002876867.3), dbSNP rs1407972554, ClinGen allele CA2658248631.

ClinVar aggregate classification (germline): Uncertain significance (1 of 4 stars; one submission).

Conditions:
Pulmonary hypertension, primary, 4. Identifiers: Orphanet 422, MedGen C3809198, MONDO:0014136, OMIM 615344.

gnomAD v4.1: 3 of 1,502,216 alleles (0.0002%); highest among the groups gnomAD compares: Non-Finnish European, 0.00027%; no homozygotes.

Submission:

Labcorp Genetics (formerly Invitae), Labcorp
Classification: Uncertain significance for Pulmonary hypertension, primary, 4. Last evaluated: 2023-11-27. Review status: criteria provided, single submitter. Criteria: Invitae Variant Classification Sherloc (09022015). Collection method: clinical testing. Allele origin: germline.
Comment: This sequence change falls in intron 1 of the KCNK3 gene. It does not directly change the encoded amino acid sequence of the KCNK3 protein. It affects a nucleotide within the consensus splice site. This variant is not present in population databases (gnomAD no frequency). This variant has not been reported in the literature in individuals affected with KCNK3-related conditions. Variants that disrupt the consensus splice site are a relatively common cause of aberrant splicing (PMID: 17576681, 9536098). Algorithms developed to predict the effect of sequence changes on RNA splicing suggest that this variant is not likely to affect RNA splicing. In summary, the available evidence is currently insufficient to determine the role of this variant in disease. Therefore, it has been classified as a Variant of Uncertain Significance.

Literature cited by the submitters: PubMed 17576681; PubMed 9536098.